The following is an entry in ClinVar:

ClinVar aggregate classification (germline): Uncertain significance (1 of 4 stars; one submission).

Submission:

Labcorp Genetics (formerly Invitae), Labcorp
Classification: Uncertain significance. Last evaluated: 2022-10-18. Review status: criteria provided, single submitter. Criteria: Invitae Variant Classification Sherloc (09022015). Collection method: clinical testing. Allele origin: germline.
Comment: This sequence change falls in intron 1 of the FLAD1 gene. It does not directly change the encoded amino acid sequence of the FLAD1 protein. This variant is not present in population databases (gnomAD no frequency). This variant has not been reported in the literature in individuals affected with FLAD1-related conditions. Algorithms developed to predict the effect of sequence changes on RNA splicing suggest that this variant may disrupt the consensus splice site. In summary, the available evidence is currently insufficient to determine the role of this variant in disease. Therefore, it has been classified as a Variant of Uncertain Significance.

NM_025207.5(FLAD1):c.373-8A>G

Gene: FLAD1 (flavin adenine dinucleotide synthetase 1; plus strand). Cytogenetic location: 1q21.3.
Variant type: single nucleotide variant.
Coding change: c.373-8A>G on transcript NM_025207.5 (MANE Select); 8 bases into the intron before coding-DNA position 373, A replaced by G.
Molecular consequence: intron variant. On other transcripts: missense variant (1).
Genome position (GRCh38, 1-based): chr1:154,988,097, A>G. VCF-style: chr1-154988097-A-G. GRCh37 (hg19) VCF-style: chr1-154960573-A-G.
Other names: c.68A>G, p.Asn23Ser (NM_001184892.2); c.82-8A>G (NM_001184891.2, NM_201398.3); short protein forms N23S.
Identifiers: ClinVar variation 1907996 (VCV001907996.2), dbSNP rs751421255, ClinGen allele CA342741620.